The following is an entry in ClinVar:

NM_000136.3(FANCC):c.1019A>G (p.Tyr340Cys)

Genes: AOPEP (aminopeptidase O (putative); plus strand), FANCC (FA complementation group C; minus strand). Cytogenetic location: 9q22.32.
Variant type: single nucleotide variant.
Coding change: c.1019A>G on transcript NM_000136.3 (MANE Select); coding-DNA position 1019, A replaced by G.
Protein change: p.Tyr340Cys; replaces tyrosine 340 with cysteine.
Molecular consequence: missense variant.
Genome position (GRCh38, 1-based): chr9:95,117,368, T>C on the plus strand (A>G on the coding strand, the complement: FANCC is on the minus strand). VCF-style: chr9-95117368-T-C. GRCh37 (hg19) VCF-style: chr9-97879650-T-C.
Other names: c.1019A>G, p.Tyr340Cys (NM_001243743.2, NM_001243744.2); short protein forms Y340C.
Identifiers: ClinVar variation 456148 (VCV000456148.13), dbSNP rs746828156, ClinGen allele CA5137488.

ClinVar aggregate classification (germline): Uncertain significance. Review status: criteria provided, multiple submitters, no conflicts (2 of 4 stars). 4 submissions from 4 submitters: Uncertain significance (3). 1 of the submissions does not count toward it. Last evaluated 2025-10-14.

Conditions:
Hereditary cancer-predisposing syndrome. Also called: Neoplastic Syndromes, Hereditary; Tumor predisposition; Hereditary Cancer Syndrome; Hereditary neoplastic syndrome. Identifiers: Orphanet 140162, MedGen C0027672, MeSH D009386, MONDO:0015356.
Fanconi anemia (FA). Also called: Fanconi's anemia. Identifiers: Orphanet 84, MedGen C0015625, MeSH D005199, MONDO:0019391.
Fanconi anemia complementation group C (FANCC). Also called: Fanconi anemia, group C; FANCC-Related Fanconi Anemia; FANCONI PANCYTOPENIA, TYPE 3; FACC. Identifiers: Orphanet 84, MedGen C3468041, MONDO:0009213, OMIM 227645.

Allele frequency attached by ClinVar (database versions not stated): gnomAD exomes 0.00001; ExAC 0.00002.
gnomAD v4.1: 11 of 1,614,028 alleles (0.00068%); highest among the groups gnomAD compares: South Asian, 0.0099%; no homozygotes.

Submissions (4):

Ambry Genetics
Classification: Uncertain significance for Hereditary cancer-predisposing syndrome. Last evaluated: 2025-10-14. Review status: criteria provided, single submitter. Criteria: Ambry Variant Classification Scheme 2023. Collection method: clinical testing. Allele origin: germline.
Comment: The p.Y340C variant (also known as c.1019A>G), located in coding exon 10 of the FANCC gene, results from an A to G substitution at nucleotide position 1019. The tyrosine at codon 340 is replaced by cysteine, an amino acid with highly dissimilar properties. This amino acid position is highly conserved in available vertebrate species. In addition, this alteration is predicted to be deleterious by in silico analysis. Since supporting evidence is limited at this time, the clinical significance of this alteration remains unclear.

GeneDx
Classification: Uncertain significance. Last evaluated: 2024-09-20. Review status: criteria provided, single submitter. Criteria: GeneDx Variant Classification Process June 2021. Collection method: clinical testing. Allele origin: germline. Affected: yes.
Comment: Not observed at significant frequency in large population cohorts (gnomAD); In silico analysis supports that this missense variant has a deleterious effect on protein structure/function; Has not been previously published as pathogenic or benign to our knowledge

Labcorp Genetics (formerly Invitae), Labcorp
Classification: Uncertain significance for Fanconi anemia. Last evaluated: 2022-05-21. Review status: criteria provided, single submitter. Criteria: Invitae Variant Classification Sherloc (09022015). Collection method: clinical testing. Allele origin: germline.
Comment: This sequence change replaces tyrosine, which is neutral and polar, with cysteine, which is neutral and slightly polar, at codon 340 of the FANCC protein (p.Tyr340Cys). This variant is present in population databases (rs746828156, gnomAD 0.01%). This variant has not been reported in the literature in individuals affected with FANCC-related conditions. ClinVar contains an entry for this variant (Variation ID: 456148). Algorithms developed to predict the effect of missense changes on protein structure and function (SIFT, PolyPhen-2, Align-GVGD) all suggest that this variant is likely to be disruptive. In summary, the available evidence is currently insufficient to determine the role of this variant in disease. Therefore, it has been classified as a Variant of Uncertain Significance.

Natera, Inc.
Classification: Uncertain significance for Fanconi anemia, group C. Last evaluated: 2020-09-16. Review status: no assertion criteria provided. Collection method: clinical testing. Allele origin: germline. Not counted in ClinVar's aggregate classification.